The following is an entry in ClinVar:

NM_000257.4(MYH7):c.4584_4585delinsAT (p.Val1529Phe)

Genes: MHRT (myosin heavy chain associated RNA transcript; plus strand), MYH7 (myosin heavy chain 7; minus strand). Cytogenetic location: 14q11.2.
Variant type: Indel.
Coding change: c.4584_4585delinsAT on transcript NM_000257.4 (MANE Select); coding-DNA positions 4584 to 4585, GG replaced by AT.
Protein change: p.Val1529Phe; replaces valine 1529 with phenylalanine.
Molecular consequence: missense variant. On other transcripts: non-coding transcript variant (1).
Genome position (GRCh38, 1-based): chr14:23,416,927-23,416,928, CC replaced by AT on the plus strand (GG replaced by AT on the coding strand, the reverse complement: MYH7 is on the minus strand). VCF-style: chr14-23416927-CC-AT. GRCh37 (hg19) VCF-style: chr14-23886136-CC-AT.
Other names: c.4584_4585delGGinsAT (NM_000257.4); short protein forms V1529F.
Identifiers: ClinVar variation 922331 (VCV000922331.6), dbSNP rs1892237017, ClinGen allele CA913188623.

ClinVar aggregate classification (germline): Uncertain significance. Review status: criteria provided, multiple submitters, no conflicts (2 of 4 stars). 2 submissions from 2 submitters: Uncertain significance (2). Last evaluated 2026-01-08.

Conditions:
Cardiovascular phenotype. Identifiers: MedGen CN230736.
Cardiomyopathy (CMYO). Also called: Cardiomyopathies. Identifiers: Orphanet 167848, MedGen C0878544, MONDO:0004994, HP:0001638. Inheritance: Various modes of inheritance.

Submissions (2):

Ambry Genetics
Classification: Uncertain significance for Cardiovascular phenotype. Last evaluated: 2026-01-08. Review status: criteria provided, single submitter. Criteria: Ambry Variant Classification Scheme 2023. Collection method: clinical testing. Allele origin: germline.
Comment: The c.4584_4585delGGinsAT variant (also known as p.V1529F), located in coding exon 31 of the MYH7 gene, results from an in-frame deletion of GG and insertion of AT at nucleotide positions 4584 to 4585. This results in the substitution of the valine residue for a phenylalanine residue at codon 1529, an amino acid with highly similar properties. This amino acid position is not well conserved in available vertebrate species. In addition, this alteration is predicted to be tolerated by in silico analysis. Based on the available evidence, the clinical significance of this variant remains unclear.

Color Diagnostics, LLC DBA Color Health
Classification: Uncertain significance for Cardiomyopathy. Last evaluated: 2023-12-05. Review status: criteria provided, single submitter. Criteria: ACMG Guidelines, 2015. Collection method: clinical testing. Allele origin: germline.
Comment: Variant of Uncertain Significance due to insufficient evidence: This missense variant is located in the LMM domain of the MYH7 protein. Computational prediction tools and conservation analyses are inconclusive regarding the impact of this variant on the protein function. Computational splicing tools suggest that this variant may not impact RNA splicing. To our knowledge, functional assays have not been performed for this variant nor has this variant been reported in individuals affected with cardiovascular disorders in the literature. This variant is rare in the general population and has been identified in 0/277264 chromosomes by the Genome Aggregation Database (gnomAD). Available evidence is insufficient to determine the role of this variant in disease conclusively.